The following is an entry in ClinVar:

ClinVar aggregate classification (germline): Uncertain significance. Review status: criteria provided, single submitter (1 of 4 stars). 2 submissions from 2 submitters: Uncertain significance (1). 1 of the submissions does not count toward it. Last evaluated 2019-12-27.

Conditions:
Retinitis pigmentosa 26 (RP26). Identifiers: Orphanet 791, MedGen C1842127, MONDO:0012024, OMIM 608380.

Allele frequency attached by ClinVar (database versions not stated): gnomAD exomes below 0.00001 and 0.00001.
gnomAD v4.1: 5 of 1,579,624 alleles (0.00032%); highest among the groups gnomAD compares: Admixed American, 0.0035%; no homozygotes.

Submissions (2):

Labcorp Genetics (formerly Invitae), Labcorp
Classification: Uncertain significance. Last evaluated: 2019-12-27. Review status: criteria provided, single submitter. Criteria: Invitae Variant Classification Sherloc (09022015). Collection method: clinical testing. Allele origin: germline.
Comment: This sequence change replaces arginine with cysteine at codon 6 of the CERKL protein (p.Arg6Cys). The arginine residue is weakly conserved and there is a large physicochemical difference between arginine and cysteine. This variant is not present in population databases (ExAC no frequency). This variant has not been reported in the literature in individuals with CERKL-related conditions. Algorithms developed to predict the effect of missense changes on protein structure and function are either unavailable or do not agree on the potential impact of this missense change (SIFT: "Tolerated"; PolyPhen-2: "Possibly Damaging"; Align-GVGD: "Class C0"). Algorithms developed to predict the effect of sequence changes on RNA splicing suggest that this variant may create or strengthen a splice site, but this prediction has not been confirmed by published transcriptional studies. In summary, the available evidence is currently insufficient to determine the role of this variant in disease. Therefore, it has been classified as a Variant of Uncertain Significance.

Natera, Inc.
Classification: Uncertain significance for Retinitis Pigmentosa 26. Last evaluated: 2025-04-09. Review status: no assertion criteria provided. Collection method: clinical testing. Allele origin: germline. Not counted in ClinVar's aggregate classification.

NM_201548.5(CERKL):c.16C>T (p.Arg6Cys)

Genes: CERKL (CERK like autophagy regulator; minus strand), LOC129935215 (ATAC-STARR-seq lymphoblastoid silent region 12158; plus strand). Cytogenetic location: 2q31.3.
Variant type: single nucleotide variant.
Coding change: c.16C>T on transcript NM_201548.5 (MANE Select); coding-DNA position 16, C replaced by T.
Protein change: p.Arg6Cys; replaces arginine 6 with cysteine.
Molecular consequence: missense variant. On other transcripts: non-coding transcript variant (2).
Genome position (GRCh38, 1-based): chr2:181,656,991, G>A on the plus strand (C>T on the coding strand, the complement: CERKL is on the minus strand). VCF-style: chr2-181656991-G-A. GRCh37 (hg19) VCF-style: chr2-182521718-G-A.
Other names: c.16C>T, p.Arg6Cys (NM_001030311.3, NM_001030312.3, NM_001030313.3 and 1 more transcripts); short protein forms R6C.
Identifiers: ClinVar variation 850607 (VCV000850607.12), dbSNP rs1559128995, ClinGen allele CA349745968.